The following is an entry in ClinVar:

NM_001151.4(SLC25A4):c.332G>A (p.Arg111His)

Gene: SLC25A4 (solute carrier family 25 member 4; plus strand). Cytogenetic location: 4q35.1.
Variant type: single nucleotide variant.
Coding change: c.332G>A on transcript NM_001151.4 (MANE Select); coding-DNA position 332, G replaced by A.
Protein change: p.Arg111His; replaces arginine 111 with histidine.
Molecular consequence: missense variant.
Genome position (GRCh38, 1-based): chr4:185,144,984, G>A. VCF-style: chr4-185144984-G-A. GRCh37 (hg19) VCF-style: chr4-186066138-G-A.
Other names: short protein forms R111H.
Identifiers: ClinVar variation 3627183 (VCV003627183.2).

ClinVar aggregate classification (germline): Uncertain significance (1 of 4 stars; one submission).

gnomAD v4.1: 4 of 1,612,672 alleles (0.00025%); highest among the groups gnomAD compares: East Asian, 0.0045%; no homozygotes.

Submission:

Labcorp Genetics (formerly Invitae), Labcorp
Classification: Uncertain significance. Last evaluated: 2025-01-08. Review status: criteria provided, single submitter. Criteria: Invitae Variant Classification Sherloc (09022015). Collection method: clinical testing. Allele origin: germline.
Comment: This sequence change replaces arginine, which is basic and polar, with histidine, which is basic and polar, at codon 111 of the SLC25A4 protein (p.Arg111His). This variant is present in population databases (rs200739996, gnomAD 0.01%). This variant has not been reported in the literature in individuals affected with SLC25A4-related conditions. Invitae Evidence Modeling of protein sequence and biophysical properties (such as structural, functional, and spatial information, amino acid conservation, physicochemical variation, residue mobility, and thermodynamic stability) indicates that this missense variant is not expected to disrupt SLC25A4 protein function with a negative predictive value of 80%. In summary, the available evidence is currently insufficient to determine the role of this variant in disease. Therefore, it has been classified as a Variant of Uncertain Significance.